The following is an entry in ClinVar:

NM_001792.5(CDH2):c.2622T>G (p.Asn874Lys)

Genes: CDH2 (cadherin 2; minus strand), CDH2-AS1 (CDH2 antisense RNA 1; plus strand). Cytogenetic location: 18q12.1.
Variant type: single nucleotide variant.
Coding change: c.2622T>G on transcript NM_001792.5 (MANE Select); coding-DNA position 2622, T replaced by G.
Protein change: p.Asn874Lys; replaces asparagine 874 with lysine.
Molecular consequence: missense variant.
Genome position (GRCh38, 1-based): chr18:27,952,252, A>C on the plus strand (T>G on the coding strand, the complement: CDH2 is on the minus strand). VCF-style: chr18-27952252-A-C. GRCh37 (hg19) VCF-style: chr18-25532216-A-C.
Other names: c.2529T>G, p.Asn843Lys (NM_001308176.2); short protein forms N843K, N874K.
Identifiers: ClinVar variation 3488838 (VCV003488838.1).

ClinVar aggregate classification (germline): Uncertain significance (1 of 4 stars; one submission).

Conditions:
Inborn genetic diseases. Identifiers: MedGen C0950123, MeSH D030342.

gnomAD v4.1: 2 of 1,613,632 alleles (0.00012%); highest among the groups gnomAD compares: Non-Finnish European, 0.00017%; no homozygotes.

Submission:

Ambry Genetics
Classification: Uncertain significance for Inborn genetic diseases. Last evaluated: 2024-09-04. Review status: criteria provided, single submitter. Criteria: Ambry Variant Classification Scheme 2023. Collection method: clinical testing. Allele origin: germline.
Comment: The p.N874K variant (also known as c.2622T>G), located in coding exon 16 of the CDH2 gene, results from a T to G substitution at nucleotide position 2622. The asparagine at codon 874 is replaced by lysine, an amino acid with similar properties. This amino acid position is conserved. In addition, the in silico prediction for this alteration is inconclusive. Based on the available evidence, the clinical significance of this variant remains unclear.